The following is an entry in ClinVar:

NM_001349206.2(LPIN1):c.1588G>A (p.Val530Met)

Gene: LPIN1 (lipin 1; plus strand). Cytogenetic location: 2p25.1.
Variant type: single nucleotide variant.
Coding change: c.1588G>A on transcript NM_001349206.2 (MANE Select); coding-DNA position 1588, G replaced by A.
Protein change: p.Val530Met; replaces valine 530 with methionine.
Molecular consequence: missense variant. On other transcripts: non-coding transcript variant (1).
Genome position (GRCh38, 1-based): chr2:11,787,112, G>A. VCF-style: chr2-11787112-G-A. GRCh37 (hg19) VCF-style: chr2-11927238-G-A.
Other names: p.Val494Met; c.1498G>A, p.Val500Met (NM_001261427.3); c.1735G>A, p.Val579Met (NM_001261428.3); c.1480G>A, p.Val494Met (NM_001349199.2, NM_001349200.2, NM_001349201.2 and 1 more transcripts); c.1585G>A, p.Val529Met (NM_001349202.2, NM_001349203.2); c.1588G>A, p.Val530Met (NM_001349204.2, NM_001349205.2); c.1678G>A, p.Val560Met (NM_001349207.2); c.1627G>A, p.Val543Met (NM_001349208.2); short protein forms V494M, V500M, V529M, V543M, V560M, V530M, V579M.
Identifiers: ClinVar variation 262583 (VCV000262583.23), dbSNP rs33997857, ClinGen allele CA1533758.
Genomic context (GRCh38, chr2:11,787,112, plus strand): 5'-TCCTCTGCAATTGCTGTCACAGATGCATTCCTGGAGCAAGCTGTGTCATATCAACAGTTT[G>A]TGGACAACCCCGCTATTATCGATGACCCCAATCTCGTGGTAAAGATTGGGAGTAAGTAAG-3'
Protein context (NP_001336135.1, residues 520-540): LEQAVSYQQF[Val530Met]DNPAIIDDPN

ClinVar aggregate classification (germline): Benign. Review status: criteria provided, multiple submitters, no conflicts (2 of 4 stars). 7 submissions from 7 submitters: Benign (7). Last evaluated 2026-02-02.

Conditions:
Myoglobinuria, acute recurrent, autosomal recessive. Also called: MYOGLOBINURIA, FAMILIAL PAROXYSMAL PARALYTIC; RHABDOMYOLYSIS, ACUTE RECURRENT; Myoglobinuria, recurrent, autosomal recessive. Identifiers: Orphanet 99845, MedGen C1849386, MONDO:0009992, OMIM 268200.

Allele frequency attached by ClinVar (database versions not stated): ESP Exome Variant Server 0.01630; 1000 Genomes Project 30x 0.00781; gnomAD 0.01679 and 0.01739; 1000 Genomes Project 0.00719; TOPMed 0.01346; ExAC 0.01567; gnomAD exomes 0.01640.

Submissions (7):

Labcorp Genetics (formerly Invitae), Labcorp
Classification: Benign. Last evaluated: 2026-02-02. Review status: criteria provided, single submitter. Criteria: Invitae Variant Classification Sherloc (09022015). Collection method: clinical testing. Allele origin: germline.

ARUP Laboratories, Molecular Genetics and Genomics, ARUP Laboratories
Classification: Benign for Myoglobinuria, acute recurrent, autosomal recessive. Last evaluated: 2025-02-20. Review status: criteria provided, single submitter. Criteria: ARUP Molecular Germline Variant Investigation Process 2024. Collection method: clinical testing. Allele origin: germline.

Illumina Laboratory Services, Illumina
Classification: Benign for Myoglobinuria, acute recurrent, autosomal recessive. Last evaluated: 2018-01-13. Review status: criteria provided, single submitter. Criteria: ICSL Variant Classification Criteria 13 December 2019. Collection method: clinical testing. Allele origin: germline.
Comment: This variant was observed in the ICSL laboratory as part of a predisposition screen in an ostensibly healthy population. It had not been previously curated by ICSL or reported in the Human Gene Mutation Database (HGMD: prior to June 1st, 2018), and was therefore a candidate for classification through an automated scoring system. Utilizing variant allele frequency, disease prevalence and penetrance estimates, and inheritance mode, an automated score was calculated to assess if this variant is too frequent to cause the disease. Based on the score and internal cut-off values, a variant classified as benign is not then subjected to further curation. The score for this variant resulted in a classification of benign for this disease.

Mayo Clinic Laboratories, Mayo Clinic
Classification: Benign. Last evaluated: 2017-12-18. Review status: criteria provided, single submitter. Criteria: ACMG Guidelines, 2015. Collection method: clinical testing. Allele origin: germline. Observed: 40 variant alleles.

GeneDx
Classification: Benign. Last evaluated: 2017-11-16. Review status: criteria provided, single submitter. Criteria: GeneDx Variant Classification (06012015). Collection method: clinical testing. Allele origin: germline. Affected: yes.
Comment: This variant is considered likely benign or benign based on one or more of the following criteria: it is a conservative change, it occurs at a poorly conserved position in the protein, it is predicted to be benign by multiple in silico algorithms, and/or has population frequency not consistent with disease.

Breakthrough Genomics
Classification: Benign. Review status: criteria provided, single submitter. Criteria: ACMG Guidelines, 2015. Collection method: not provided. Allele origin: germline. Inheritance: Autosomal recessive inheritance. Affected: yes.

PreventionGenetics, part of Exact Sciences
Classification: Benign. Review status: criteria provided, single submitter. Criteria: ACMG Guidelines, 2015. Collection method: clinical testing. Allele origin: germline.